The following is an entry in ClinVar:

ClinVar aggregate classification (germline): Conflicting classifications of pathogenicity. Review status: criteria provided, conflicting classifications (1 of 4 stars). 6 submissions from 6 submitters: Uncertain significance (4); Likely benign (2). Last evaluated 2026-01-19.

Conditions:
Hereditary breast ovarian cancer syndrome. Also called: Breast and ovarian cancer; Hereditary breast and ovarian cancer syndrome; Hereditary breast and ovarian cancer; Hereditary breast and ovarian cancer syndrome (HBOC); Hereditary breast and/or ovarian cancer syndrome; BRCA1- and BRCA2-Associated Hereditary Breast and Ovarian Cancer. Identifiers: Orphanet 145, MedGen C0677776, MeSH D061325, MONDO:0003582. Disease mechanism: loss of function.
Breast-ovarian cancer, familial, susceptibility to, 1 (BROVCA1). Also called: OVARIAN CANCER, SUSCEPTIBILITY TO; BRCA1 Hereditary Breast and Ovarian Cancer. Identifiers: Orphanet 145, MedGen C2676676, MONDO:0011450, OMIM 604370. Disease mechanism: loss of function.
Hereditary cancer-predisposing syndrome. Also called: Hereditary neoplastic syndrome; Tumor predisposition; Hereditary Cancer Syndrome; Neoplastic Syndromes, Hereditary. Identifiers: Orphanet 140162, MedGen C0027672, MeSH D009386, MONDO:0015356.

Submissions (6):

Labcorp Genetics (formerly Invitae), Labcorp
Classification: Uncertain significance for Hereditary breast ovarian cancer syndrome. Last evaluated: 2026-01-19. Review status: criteria provided, single submitter. Criteria: Invitae Variant Classification Sherloc (09022015). Collection method: clinical testing. Allele origin: germline.
Comment: This sequence change replaces alanine, which is neutral and non-polar, with serine, which is neutral and polar, at codon 1206 of the BRCA1 protein (p.Ala1206Ser). This variant is not present in population databases (gnomAD no frequency). This variant has not been reported in the literature in individuals affected with BRCA1-related conditions. ClinVar contains an entry for this variant (Variation ID: 441433). Invitae Evidence Modeling of protein sequence and biophysical properties (such as structural, functional, and spatial information, amino acid conservation, physicochemical variation, residue mobility, and thermodynamic stability) indicates that this missense variant is not expected to disrupt BRCA1 protein function with a negative predictive value of 80%. In summary, the available evidence is currently insufficient to determine the role of this variant in disease. Therefore, it has been classified as a Variant of Uncertain Significance.

Ambry Genetics
Classification: Uncertain significance for Hereditary cancer-predisposing syndrome. Last evaluated: 2025-06-07. Review status: criteria provided, single submitter. Criteria: Ambry Variant Classification Scheme 2023. Collection method: clinical testing. Allele origin: germline.
Comment: The p.A1206S variant (also known as c.3616G>T), located in coding exon 9 of the BRCA1 gene, results from a G to T substitution at nucleotide position 3616. The alanine at codon 1206 is replaced by serine, an amino acid with similar properties. This amino acid position is not well conserved in available vertebrate species. In addition, this alteration is predicted to be tolerated by in silico analysis. Since supporting evidence is limited at this time, the clinical significance of this alteration remains unclear.

CeGaT Center for Human Genetics Tuebingen
Classification: Uncertain significance. Last evaluated: 2024-09-01. Review status: criteria provided, single submitter. Criteria: CeGaT Center For Human Genetics Tuebingen Variant Classification Criteria Version 2. Collection method: clinical testing. Allele origin: germline. Affected: yes. Observed: 1 variant allele.
Comment: BRCA1: PM2, BP1, BP4

Myriad Genetics, Inc.
Classification: Likely benign for Breast-ovarian cancer, familial, susceptibility to, 1. Last evaluated: 2024-04-25. Review status: criteria provided, single submitter. Criteria: Myriad Autosomal Dominant, Autosomal Recessive and X-Linked Classification Criteria (2023). Collection method: clinical testing. Allele origin: unknown.
Comment: This variant is considered likely benign. This variant is strongly associated with less severe personal and family histories of cancer, typical for individuals without pathogenic variants in this gene [PMID: 25085752].

University of Washington Department of Laboratory Medicine, University of Washington
Classification: Likely benign for Hereditary cancer-predisposing syndrome. Last evaluated: 2023-03-23. Review status: criteria provided, single submitter. Criteria: Dines et al. (Genet Med. 2020). Collection method: curation. Allele origin: germline.
Comment: Missense variant in a coldspot region where missense variants are very unlikely to be pathogenic (PMID:31911673).

BRCA1 coldspot (exon 11 using historical exon numbering). Reclassification based on statistical prior probability

Women's Health and Genetics/Laboratory Corporation of America, LabCorp
Classification: Uncertain significance. Last evaluated: 2016-05-02. Review status: criteria provided, single submitter. Criteria: LabCorp Variant Classification Summary - May 2015. Collection method: clinical testing. Allele origin: germline.
Comment: Variant summary: The c.3616G>T variant affects a non-conserved nucleotide, resulting in amino acid change from Ala to Ser. 4/4 in-silico tools predict benign outcome for this variant (SNPs&GO not captured due to low reliability index). This variant is not found in 120884 control chromosomes. The variant of interest has not, to our knowledge, been reported in affected individuals via publications nor evaluated for functional impact by in vivo/vitro studies. One reputable clinical lab has classified the variant as a VUS. Because of the absence of clinical information and the lack of functional studies, the variant was classified as a variant of uncertain significance (VUS) until additional information becomes available.

Literature cited by the submitters: PubMed 25085752 (cited by Myriad Genetics, Inc.).

NM_007294.4(BRCA1):c.3616G>T (p.Ala1206Ser)

Genes: BRCA1 (BRCA1 DNA repair associated; minus strand), LOC126862571 (BRD4-independent group 4 enhancer GRCh37_chr17:41243136-41244335; plus strand). Cytogenetic location: 17q21.31.
Variant type: single nucleotide variant.
Coding change: c.3616G>T on transcript NM_007294.4 (MANE Select); coding-DNA position 3616, G replaced by T.
Protein change: p.Ala1206Ser; replaces alanine 1206 with serine.
Molecular consequence: missense variant. On other transcripts: intron variant (135).
Genome position (GRCh38, 1-based): chr17:43,091,915, C>A on the plus strand (G>T on the coding strand, the complement: BRCA1 is on the minus strand). VCF-style: chr17-43091915-C-A. GRCh37 (hg19) VCF-style: chr17-41243932-C-A.
Other names: c.3403G>T, p.Ala1135Ser (NM_001407571.1, NM_001407853.1, NM_001407894.1 and 9 more transcripts); c.3616G>T, p.Ala1206Ser (NM_001407581.1, NM_001407582.1, NM_001407583.1 and 30 more transcripts); c.3613G>T, p.Ala1205Ser (NM_001407587.1, NM_001407590.1, NM_001407591.1 and 22 more transcripts); c.3607G>T, p.Ala1203Ser (NM_001407646.1, NM_001407647.1); c.3493G>T, p.Ala1165Ser (NM_001407648.1, NM_001407664.1, NM_001407665.1 and 19 more transcripts); c.3490G>T, p.Ala1164Ser (NM_001407649.1, NM_001407670.1, NM_001407671.1 and 11 more transcripts); c.3538G>T, p.Ala1180Ser (NM_001407653.1, NM_001407654.1, NM_001407655.1 and 4 more transcripts); c.3535G>T, p.Ala1179Ser (NM_001407659.1, NM_001407660.1, NM_001407661.1 and 1 more transcripts); and 41 more; short protein forms A1206S, A1159S, A1117S, A1135S, A1158S, A1165S, A1038S, A1078S.
Identifiers: ClinVar variation 441433 (VCV000441433.35), dbSNP rs1555587407, ClinGen allele CA10594736.